The following is an entry in ClinVar:

NM_001290043.2(TAP2):c.812T>C (p.Leu271Pro)

Gene: TAP2 (transporter 2, ATP binding cassette subfamily B member; minus strand). Cytogenetic location: 6p21.32.
Variant type: single nucleotide variant.
Coding change: c.812T>C on transcript NM_001290043.2 (MANE Select); coding-DNA position 812, T replaced by C.
Protein change: p.Leu271Pro; replaces leucine 271 with proline.
Molecular consequence: missense variant.
Genome position (GRCh38, 1-based): chr6:32,835,287, A>G on the plus strand (T>C on the coding strand, the complement: TAP2 is on the minus strand). VCF-style: chr6-32835287-A-G. GRCh37 (hg19) VCF-style: chr6-32803064-A-G.
Other names: c.812T>C, p.Leu271Pro (NM_000544.3, NM_018833.3); short protein forms L271P.
Identifiers: ClinVar variation 1367352 (VCV001367352.5), dbSNP rs2127363302, ClinGen allele CA363584522.

ClinVar aggregate classification (germline): Uncertain significance (1 of 4 stars; one submission).

Conditions:
MHC class I deficiency. Identifiers: Orphanet 34592, MedGen C6024714, MONDO:0011476.

Submission:

Labcorp Genetics (formerly Invitae), Labcorp
Classification: Uncertain significance for MHC class I deficiency 1. Last evaluated: 2022-03-02. Review status: criteria provided, single submitter. Criteria: Invitae Variant Classification Sherloc (09022015). Collection method: clinical testing. Allele origin: germline.
Comment: This sequence change replaces leucine, which is neutral and non-polar, with proline, which is neutral and non-polar, at codon 271 of the TAP2 protein (p.Leu271Pro). This variant is not present in population databases (gnomAD no frequency). This variant has not been reported in the literature in individuals affected with TAP2-related conditions. Algorithms developed to predict the effect of missense changes on protein structure and function are either unavailable or do not agree on the potential impact of this missense change (SIFT: "Deleterious"; PolyPhen-2: "Not Available"; Align-GVGD: "Class C0"). In summary, the available evidence is currently insufficient to determine the role of this variant in disease. Therefore, it has been classified as a Variant of Uncertain Significance.